The following is an entry in ClinVar:

ClinVar aggregate classification (germline): Likely pathogenic. Review status: criteria provided, multiple submitters, no conflicts (2 of 4 stars). 2 submissions from 2 submitters: Likely pathogenic (2). Last evaluated 2023-11-24.

Conditions:
Warsaw breakage syndrome (WABS). Also called: DDX11-Related Cohesinopathy. Identifiers: Orphanet 280558, MedGen C3150658, MONDO:0013252, OMIM 613398.

Allele frequency attached by ClinVar (database versions not stated): ExAC 0.00002; gnomAD exomes 0.00002.
gnomAD v4.1: 12 of 1,614,030 alleles (0.00074%); highest among the groups gnomAD compares: South Asian, 0.0044%; no homozygotes.

Submissions (2):

GeneDx
Classification: Likely pathogenic. Last evaluated: 2023-11-24. Review status: criteria provided, single submitter. Criteria: GeneDx Variant Classification Process June 2021. Collection method: clinical testing. Allele origin: germline. Affected: yes.
Comment: Nonsense variant predicted to result in protein truncation, as the last 28 amino acids are lost, and other loss-of-function variants have been reported downstream in HGMD; Has not been previously published as pathogenic or benign to our knowledge

Juno Genomics, Hangzhou Juno Genomics, Inc
Classification: Likely pathogenic for Warsaw breakage syndrome. Review status: criteria provided, single submitter. Criteria: ACMG Guidelines, 2015. Collection method: clinical testing. Allele origin: germline.
Comment: Absent from controls (or at extremely low frequency if recessive) in Genome Aggregation Database.;Null variant in a gene where loss of function (LOF) is a known mechanism of disease.

NM_030653.4(DDX11):c.2635C>T (p.Arg879Ter)

Gene: DDX11 (DEAD/H-box helicase 11; plus strand). Cytogenetic location: 12p11.21.
Variant type: single nucleotide variant.
Coding change: c.2635C>T on transcript NM_030653.4 (MANE Select); coding-DNA position 2635, C replaced by T.
Protein change: p.Arg879Ter; replaces arginine 879 with a stop codon.
Molecular consequence: nonsense. On other transcripts: missense variant (2).
Genome position (GRCh38, 1-based): chr12:31,103,675, C>T. VCF-style: chr12-31103675-C-T. GRCh37 (hg19) VCF-style: chr12-31256609-C-T.
Other names: c.2630C>T, p.Pro877Leu (NM_001257144.2, NM_152438.2); c.2557C>T, p.Arg853Ter (NM_001257145.2); c.2485C>T, p.Arg829Ter (NM_004399.3); short protein forms P877L, R879*, R829*, R853*.
Identifiers: ClinVar variation 585157 (VCV000585157.5), dbSNP rs780059558, ClinGen allele CA6501929.